The following is an entry in ClinVar:

ClinVar aggregate classification (germline): Uncertain significance (1 of 4 stars; one submission).

gnomAD v4.1: 5 of 1,614,096 alleles (0.00031%); highest among the groups gnomAD compares: South Asian, 0.0011%; no homozygotes.

Submission:

Ambry Genetics
Classification: Uncertain significance. Last evaluated: 2025-10-14. Review status: criteria provided, single submitter. Criteria: Ambry Variant Classification Scheme 2023. Collection method: clinical testing. Allele origin: germline.
Comment: The p.G1391S variant (also known as c.4171G>A), located in coding exon 14 of the CDK12 gene, results from a G to A substitution at nucleotide position 4171. The glycine at codon 1391 is replaced by serine, an amino acid with similar properties. This amino acid position is conserved. In addition, the in silico prediction for this alteration is inconclusive. Based on the available evidence, the clinical significance of this variant remains unclear.

NM_016507.4(CDK12):c.4171G>A (p.Gly1391Ser)

Gene: CDK12 (cyclin dependent kinase 12; plus strand). Cytogenetic location: 17q12.
Variant type: single nucleotide variant.
Coding change: c.4171G>A on transcript NM_016507.4 (MANE Select); coding-DNA position 4171, G replaced by A.
Protein change: p.Gly1391Ser; replaces glycine 1391 with serine.
Molecular consequence: missense variant.
Genome position (GRCh38, 1-based): chr17:39,531,014, G>A. VCF-style: chr17-39531014-G-A. GRCh37 (hg19) VCF-style: chr17-37687267-G-A.
Other names: c.4144G>A, p.Gly1382Ser (NM_015083.4); short protein forms G1391S, G1382S.
Identifiers: ClinVar variation 4651373 (VCV004651373.1).